The following is an entry in ClinVar:

NM_001365276.2(TNXB):c.2995G>A (p.Glu999Lys)

Gene: TNXB (tenascin XB; minus strand). Cytogenetic location: 6p21.33.
Variant type: single nucleotide variant.
Coding change: c.2995G>A on transcript NM_001365276.2 (MANE Select); coding-DNA position 2995, G replaced by A.
Protein change: p.Glu999Lys; replaces glutamic acid 999 with lysine.
Molecular consequence: missense variant.
Genome position (GRCh38, 1-based): chr6:32,085,903, C>T on the plus strand (G>A on the coding strand, the complement: TNXB is on the minus strand). VCF-style: chr6-32085903-C-T. GRCh37 (hg19) VCF-style: chr6-32053680-C-T.
Other names: c.2995G>A, p.Glu999Lys (NM_019105.8); short protein forms E999K.
Identifiers: ClinVar variation 2320603 (VCV002320603.5), dbSNP rs373054105, ClinGen allele CA3735275.
Genomic context (GRCh38, chr6:32,085,903, plus strand): 5'-GAGGCACCAGAGCCTGGCGGACGTCCCCTGGCAGCACTTCCTCATGTGCCCCCGGCCCCT[C>T]GGGCACCCGCATGCGCAGTTGGAAGTAGGCAAAGGTGTCAGGCTGGGCGGTCCAGACCAC-3'
Protein context (NP_001352205.1, residues 989-1009): AYFQLRMRVP[Glu999Lys]GPGAHEEVLP

ClinVar aggregate classification (germline): Conflicting classifications of pathogenicity. Review status: criteria provided, conflicting classifications (1 of 4 stars). 3 submissions from 3 submitters: Uncertain significance (2); Likely benign (1). Last evaluated 2026-04-07.

Conditions:
Cardiovascular phenotype. Identifiers: MedGen CN230736.

Allele frequency attached by ClinVar (database versions not stated): ExAC 0.00015; ESP Exome Variant Server 0.00026; gnomAD 0.00048; 1000 Genomes Project 0.00060; TOPMed 0.00063; 1000 Genomes Project 30x 0.00078.
gnomAD v4.1: 141 of 1,608,456 alleles (0.0088%); highest among the groups gnomAD compares: African/African-American, 0.15%; no homozygotes.

Submissions (3):

Women's Health and Genetics/Laboratory Corporation of America, LabCorp
Classification: Uncertain significance. Last evaluated: 2026-04-07. Review status: criteria provided, single submitter. Criteria: LabCorp Variant Classification Summary - May 2015. Collection method: clinical testing. Allele origin: germline.

Ambry Genetics
Classification: Likely benign for Cardiovascular phenotype. Last evaluated: 2025-02-13. Review status: criteria provided, single submitter. Criteria: Ambry Variant Classification Scheme 2023. Collection method: clinical testing. Allele origin: germline.

Labcorp Genetics (formerly Invitae), Labcorp
Classification: Uncertain significance. Last evaluated: 2024-05-23. Review status: criteria provided, single submitter. Criteria: Invitae Variant Classification Sherloc (09022015). Collection method: clinical testing. Allele origin: germline.
Comment: This sequence change replaces glutamic acid, which is acidic and polar, with lysine, which is basic and polar, at codon 999 of the TNXB protein (p.Glu999Lys). This variant is present in population databases (rs373054105, gnomAD 0.2%). This variant has not been reported in the literature in individuals affected with TNXB-related conditions. ClinVar contains an entry for this variant (Variation ID: 2320603). Algorithms developed to predict the effect of missense changes on protein structure and function output the following: SIFT: "Not Available"; PolyPhen-2: "Benign"; Align-GVGD: "Not Available". The lysine amino acid residue is found in multiple mammalian species, which suggests that this missense change does not adversely affect protein function. In summary, the available evidence is currently insufficient to determine the role of this variant in disease. Therefore, it has been classified as a Variant of Uncertain Significance.